The following is an entry in ClinVar:

ClinVar aggregate classification (germline): Uncertain significance. Review status: criteria provided, multiple submitters, no conflicts (2 of 4 stars). 2 submissions from 2 submitters: Uncertain significance (2). Last evaluated 2025-06-02.

Conditions:
Nephronophthisis. Also called: Juvenile Nephronophthisis. Identifiers: Orphanet 655, MedGen C0687120, MONDO:0019005, HP:0000090.
Nephronophthisis 4 (NPHP4). Also called: NEPHRONOPHTHISIS 4, JUVENILE. Identifiers: Orphanet 655, MedGen C1847013, MONDO:0011752, OMIM 606966.
Senior-Loken syndrome 4 (SLSN4). Identifiers: Orphanet 3156, MedGen C1846979, MONDO:0011756, OMIM 606996.

Allele frequency attached by ClinVar (database versions not stated): TOPMed below 0.00001; ExAC 0.00001; gnomAD 0.00001; gnomAD exomes 0.00001.
gnomAD v4.1: 18 of 1,612,884 alleles (0.0011%); highest among the groups gnomAD compares: Middle Eastern, 0.016%; no homozygotes.

Submissions (2):

Labcorp Genetics (formerly Invitae), Labcorp
Classification: Uncertain significance for Nephronophthisis. Last evaluated: 2025-06-02. Review status: criteria provided, single submitter. Criteria: Invitae Variant Classification Sherloc (09022015). Collection method: clinical testing. Allele origin: germline.
Comment: This sequence change replaces tyrosine, which is neutral and polar, with cysteine, which is neutral and slightly polar, at codon 1137 of the NPHP4 protein (p.Tyr1137Cys). This variant is not present in population databases (gnomAD no frequency). This variant has not been reported in the literature in individuals affected with NPHP4-related conditions. ClinVar contains an entry for this variant (Variation ID: 1487199). Invitae Evidence Modeling of protein sequence and biophysical properties (such as structural, functional, and spatial information, amino acid conservation, physicochemical variation, residue mobility, and thermodynamic stability) indicates that this missense variant is expected to disrupt NPHP4 protein function with a positive predictive value of 80%. In summary, the available evidence is currently insufficient to determine the role of this variant in disease. Therefore, it has been classified as a Variant of Uncertain Significance.

Fulgent Genetics
Classification: Uncertain significance for Nephronophthisis 4; Senior-Loken syndrome 4. Last evaluated: 2024-05-09. Review status: criteria provided, single submitter. Criteria: ACMG Guidelines, 2015. Collection method: clinical testing. Allele origin: germline.

NM_015102.5(NPHP4):c.3410A>G (p.Tyr1137Cys)

Gene: NPHP4 (nephrocystin 4; minus strand). Cytogenetic location: 1p36.31.
Variant type: single nucleotide variant.
Coding change: c.3410A>G on transcript NM_015102.5 (MANE Select); coding-DNA position 3410, A replaced by G.
Protein change: p.Tyr1137Cys; replaces tyrosine 1137 with cysteine.
Molecular consequence: missense variant. On other transcripts: non-coding transcript variant (1).
Genome position (GRCh38, 1-based): chr1:5,867,802, T>C on the plus strand (A>G on the coding strand, the complement: NPHP4 is on the minus strand). VCF-style: chr1-5867802-T-C. GRCh37 (hg19) VCF-style: chr1-5927862-T-C.
Other names: c.1871A>G, p.Tyr624Cys (NM_001291593.2); c.1874A>G, p.Tyr625Cys (NM_001291594.2); short protein forms Y625C, Y624C, Y1137C.
Identifiers: ClinVar variation 1487199 (VCV001487199.8), dbSNP rs765444252, ClinGen allele CA553625.
Genomic context (GRCh38, chr1:5,867,802, plus strand): 5'-GGAAATGTGTGCCAGGGCGGCAGGCGGATGGCCTTCTTCAGGAAGGAGAGCTCCGGGTGA[T>C]AGAAGCGGAAGACCTGGTCCACCACGTGGGGCTGCAGCTCCACAGTCAGGCAGAGCACGG-3'
Protein context (NP_055917.1, residues 1127-1147): PHVVDQVFRF[Tyr1137Cys]HPELSFLKKA